The following is an entry in ClinVar:

ClinVar aggregate classification (germline): Likely benign (1 of 4 stars; one submission).

Submission:

CeGaT Center for Human Genetics Tuebingen
Classification: Likely benign. Last evaluated: 2022-12-01. Review status: criteria provided, single submitter. Criteria: CeGaT Center For Human Genetics Tuebingen Variant Classification Criteria Version 2. Collection method: clinical testing. Allele origin: germline. Affected: yes. Observed: 1 variant allele.
Comment: DUSP13B: PM2:Supporting, BP4, BP7

NM_001007273.2(DUSP13B):c.-153C>G

Genes: DUSP13A (dual specificity phosphatase 13A; minus strand), DUSP13B (dual specificity phosphatase 13B; minus strand), SAMD8 (sterile alpha motif domain containing 8; plus strand). Cytogenetic location: 10q22.2.
Variant type: single nucleotide variant.
Coding change: c.-153C>G on transcript NM_001007273.2; 153 bases upstream of the start codon, C replaced by G.
Molecular consequence: 5 prime UTR variant. On other transcripts: synonymous variant (2).
Genome position (GRCh38, 1-based): chr10:75,109,140, G>C on the plus strand (C>G on the coding strand, the complement: DUSP13B is on the minus strand). VCF-style: chr10-75109140-G-C. GRCh37 (hg19) VCF-style: chr10-76868898-G-C.
Other names: c.18C>G, p.Leu6= (NM_001007271.3, NM_001007272.2); c.-371C>G (NM_001320842.2); c.-228C>G (NM_001320843.2).
Identifiers: ClinVar variation 2640609 (VCV002640609.22), dbSNP rs2549274013, ClinGen allele CA470180465.